The following is an entry in ClinVar:

NM_004360.5(CDH1):c.237A>G (p.Thr79=)

Gene: CDH1 (cadherin 1; plus strand). Cytogenetic location: 16q22.1.
Variant type: single nucleotide variant.
Coding change: c.237A>G on transcript NM_004360.5 (MANE Select); coding-DNA position 237, A replaced by G.
Protein change: p.Thr79=; no amino-acid change (threonine 79 retained).
Molecular consequence: synonymous variant. On other transcripts: 5 prime UTR variant (2).
Genome position (GRCh38, 1-based): chr16:68,801,743, A>G. VCF-style: chr16-68801743-A-G. GRCh37 (hg19) VCF-style: chr16-68835646-A-G.
Other names: c.237A>G, p.Thr79= (NM_001317184.2); c.-1379A>G (NM_001317185.2); c.-1583A>G (NM_001317186.2).
Identifiers: ClinVar variation 821184 (VCV000821184.10), dbSNP rs1597884701, ClinGen allele CA496152633.

ClinVar aggregate classification (germline): Benign/Likely benign. Review status: criteria provided, multiple submitters, no conflicts (2 of 4 stars). 3 submissions from 3 submitters: Benign (1); Likely benign (2). Last evaluated 2025-03-23.

Conditions:
Hereditary diffuse gastric adenocarcinoma (HDGC). Also called: DIFFUSE GASTRIC AND LOBULAR BREAST CANCER SYNDROME. Identifiers: Orphanet 26106, MedGen C1708349, MONDO:0007648, OMIM 137215.
Hereditary cancer-predisposing syndrome. Also called: Hereditary Cancer Syndrome; Neoplastic Syndromes, Hereditary; Hereditary neoplastic syndrome; Tumor predisposition. Identifiers: Orphanet 140162, MedGen C0027672, MeSH D009386, MONDO:0015356.

Allele frequency attached by ClinVar (database versions not stated): gnomAD exomes below 0.00001.
gnomAD v4.1: 3 of 1,614,232 alleles (0.00019%); highest among the groups gnomAD compares: Non-Finnish European, 0.00025%; no homozygotes.

Submissions (3):

Labcorp Genetics (formerly Invitae), Labcorp
Classification: Likely benign for Hereditary diffuse gastric adenocarcinoma. Last evaluated: 2025-03-23. Review status: criteria provided, single submitter. Criteria: Invitae Variant Classification Sherloc (09022015). Collection method: clinical testing. Allele origin: germline.

Myriad Genetics, Inc.
Classification: Benign for Hereditary diffuse gastric adenocarcinoma. Last evaluated: 2024-09-12. Review status: criteria provided, single submitter. Criteria: Myriad Autosomal Dominant, Autosomal Recessive and X-Linked Classification Criteria (2023). Collection method: clinical testing. Allele origin: unknown.
Comment: This variant is considered benign. This variant is a silent/synonymous amino acid change and it is not expected to impact splicing.

Ambry Genetics
Classification: Likely benign for Hereditary cancer-predisposing syndrome. Last evaluated: 2019-03-11. Review status: criteria provided, single submitter. Criteria: Ambry Variant Classification Scheme 2023. Collection method: clinical testing. Allele origin: germline.